The following is an entry in ClinVar:

ClinVar aggregate classification (germline): Likely benign (1 of 4 stars; one submission).

gnomAD v4.1: 5 of 1,613,754 alleles (0.00031%); highest among the groups gnomAD compares: Middle Eastern, 0.033%; no homozygotes.

Submission:

GeneDx
Classification: Likely benign. Last evaluated: 2024-02-02. Review status: criteria provided, single submitter. Criteria: GeneDx Variant Classification Process June 2021. Collection method: clinical testing. Allele origin: germline. Affected: yes.
Comment: See Variant Classification Assertion Criteria.

NM_001429.4(EP300):c.7231C>G (p.Leu2411Val)

Gene: EP300 (E1A binding protein p300; plus strand). Cytogenetic location: 22q13.2.
Variant type: single nucleotide variant.
Coding change: c.7231C>G on transcript NM_001429.4 (MANE Select); coding-DNA position 7231, C replaced by G.
Protein change: p.Leu2411Val; replaces leucine 2411 with valine.
Molecular consequence: missense variant.
Genome position (GRCh38, 1-based): chr22:41,178,942, C>G. VCF-style: chr22-41178942-C-G. GRCh37 (hg19) VCF-style: chr22-41574946-C-G.
Other names: c.7153C>G, p.Leu2385Val (NM_001362843.2); short protein forms L2385V, L2411V.
Identifiers: ClinVar variation 3342324 (VCV003342324.1).
Genomic context (GRCh38, chr22:41,178,942, plus strand): 5'-ACGGACCTGGGACTCAGCACCGATAACTCAGACTTGAATTCAAACCTCTCACAGAGTACA[C>G]TAGACATACACTAGAGACACCTTGTAGTATTTTGGGAGCAAAAAAATTATTTTCTCTTAA-3'
Protein context (NP_001420.2, residues 2401-2414): DLNSNLSQST[Leu2411Val]DIH